The following is an entry in ClinVar:

NM_003384.3(VRK1):c.45A>G (p.Ala15=)

Gene: VRK1 (VRK serine/threonine kinase 1; plus strand). Cytogenetic location: 14q32.2.
Variant type: single nucleotide variant.
Coding change: c.45A>G on transcript NM_003384.3 (MANE Select); coding-DNA position 45, A replaced by G.
Protein change: p.Ala15=; no amino-acid change (alanine 15 retained).
Molecular consequence: synonymous variant.
Genome position (GRCh38, 1-based): chr14:96,833,516, A>G. VCF-style: chr14-96833516-A-G. GRCh37 (hg19) VCF-style: chr14-97299853-A-G.
Other names: p.Ala15=.
Identifiers: ClinVar variation 130731 (VCV000130731.32), dbSNP rs2145635, ClinGen allele CA155967.

ClinVar aggregate classification (germline): Benign. Review status: criteria provided, multiple submitters, no conflicts (2 of 4 stars). 12 submissions from 12 submitters: Benign (8). 4 of the submissions do not count toward it. Last evaluated 2026-02-04.

Conditions:
Isolated microphthalmia 2. Identifiers: Orphanet 2542, MedGen C1864720, MONDO:0012409, OMIM 610093.
Pontocerebellar hypoplasia type 1A (PCH1A). Also called: PONTOCEREBELLAR HYPOPLASIA WITH ANTERIOR HORN CELL DISEASE; PONTOCEREBELLAR HYPOPLASIA WITH INFANTILE SPINAL MUSCULAR ATROPHY. Identifiers: Orphanet 2254, Orphanet 88616, MedGen C1843504, MONDO:0011866, OMIM 607596.

Allele frequency attached by ClinVar (database versions not stated): 1000 Genomes Project 30x 0.28560; 1000 Genomes Project 0.28954; TOPMed 0.31468; gnomAD 0.32398 and 0.32664; ESP Exome Variant Server 0.33090; gnomAD exomes 0.35577 and 0.37927; ExAC 0.35647.
gnomAD v4.1: 602,787 of 1,613,514 alleles (37%); highest among the groups gnomAD compares: South Asian, 43%; 116,249 homozygotes.

Submissions (12):

Labcorp Genetics (formerly Invitae), Labcorp
Classification: Benign for Pontocerebellar hypoplasia type 1A. Last evaluated: 2026-02-04. Review status: criteria provided, single submitter. Criteria: Invitae Variant Classification Sherloc (09022015). Collection method: clinical testing. Allele origin: germline.

Blueprint Genetics
Classification: Benign. Last evaluated: 2024-11-27. Review status: criteria provided, single submitter. Criteria: ACMG Guidelines, 2015. Collection method: clinical testing. Allele origin: germline.

Mayo Clinic Laboratories, Mayo Clinic
Classification: Benign. Last evaluated: 2022-03-24. Review status: criteria provided, single submitter. Criteria: ACMG Guidelines, 2015. Collection method: clinical testing. Allele origin: germline. Observed: 856 variant alleles.

Genome-Nilou Lab
Classification: Benign for Isolated microphthalmia 2. Last evaluated: 2021-07-10. Review status: criteria provided, single submitter. Criteria: ACMG Guidelines, 2015. Collection method: clinical testing. Allele origin: germline. Affected: no.

Illumina Laboratory Services, Illumina
Classification: Benign for Pontocerebellar hypoplasia type 1A. Last evaluated: 2018-01-13. Review status: criteria provided, single submitter. Criteria: ICSL Variant Classification Criteria 13 December 2019. Collection method: clinical testing. Allele origin: germline.
Comment: This variant was observed in the ICSL laboratory as part of a predisposition screen in an ostensibly healthy population. It had not been previously curated by ICSL or reported in the Human Gene Mutation Database (HGMD: prior to June 1st, 2018), and was therefore a candidate for classification through an automated scoring system. Utilizing variant allele frequency, disease prevalence and penetrance estimates, and inheritance mode, an automated score was calculated to assess if this variant is too frequent to cause the disease. Based on the score and internal cut-off values, a variant classified as benign is not then subjected to further curation. The score for this variant resulted in a classification of benign for this disease.

GeneDx
Classification: Benign. Last evaluated: 2015-03-03. Review status: criteria provided, single submitter. Criteria: GeneDx Variant Classification Process June 2021. Collection method: clinical testing. Allele origin: germline. Affected: yes.

Breakthrough Genomics
Classification: Benign. Review status: criteria provided, single submitter. Criteria: ACMG Guidelines, 2015. Collection method: not provided. Allele origin: germline. Inheritance: Autosomal recessive inheritance. Affected: yes.

PreventionGenetics, part of Exact Sciences
Classification: Benign. Review status: criteria provided, single submitter. Criteria: ACMG Guidelines, 2015. Collection method: clinical testing. Allele origin: germline.

Natera, Inc.
Classification: Benign for Pontocerebellar hypoplasia, type 1a. Last evaluated: 2019-11-19. Review status: no assertion criteria provided. Collection method: clinical testing. Allele origin: germline. Not counted in ClinVar's aggregate classification.

Clinical Genetics, Academic Medical Center
Classification: Benign. Review status: no assertion criteria provided. Collection method: clinical testing. Allele origin: germline. Affected: yes. Study: VKGL Data-share Consensus. Not counted in ClinVar's aggregate classification.

Diagnostic Laboratory, Department of Genetics, University Medical Center Groningen
Classification: Benign for Pontocerebellar hypoplasia type 1A. Review status: no assertion criteria provided. Collection method: clinical testing. Allele origin: germline. Affected: yes. Study: VKGL Data-share Consensus. Not counted in ClinVar's aggregate classification.

Genetic Services Laboratory, University of Chicago
Classification: Likely benign for AllHighlyPenetrant. Review status: no assertion criteria provided. Collection method: clinical testing. Allele origin: germline. Inheritance: Autosomal recessive inheritance. Not counted in ClinVar's aggregate classification.
Comment: Likely benign based on allele frequency in 1000 Genomes Project or ESP global frequency and its presence in a patient with a rare or unrelated disease phenotype. NOT Sanger confirmed.